The following is an entry in ClinVar:

NM_001166108.2(PALLD):c.721C>A (p.His241Asn)

Gene: PALLD (palladin, cytoskeletal associated protein; plus strand). Cytogenetic location: 4q32.3.
Variant type: single nucleotide variant.
Coding change: c.721C>A on transcript NM_001166108.2 (MANE Select); coding-DNA position 721, C replaced by A.
Protein change: p.His241Asn; replaces histidine 241 with asparagine.
Molecular consequence: missense variant.
Genome position (GRCh38, 1-based): chr4:168,512,225, C>A. VCF-style: chr4-168512225-C-A. GRCh37 (hg19) VCF-style: chr4-169433376-C-A.
Other names: c.721C>A, p.His241Asn (NM_016081.4); short protein forms H241N.
Identifiers: ClinVar variation 1757752 (VCV001757752.2), dbSNP rs1490249027, ClinGen allele CA358728069.

ClinVar aggregate classification (germline): Uncertain significance (1 of 4 stars; one submission).

gnomAD v4.1: 1 of 1,613,710 alleles (0.000062%); highest among the groups gnomAD compares: African/African-American, 0.0013%; no homozygotes.

Submission:

Ambry Genetics
Classification: Uncertain significance. Last evaluated: 2021-10-13. Review status: criteria provided, single submitter. Criteria: Ambry Variant Classification Scheme 2023. Collection method: clinical testing. Allele origin: germline.
Comment: The p.H241N variant (also known as c.721C>A), located in coding exon 1 of the PALLD gene, results from a C to A substitution at nucleotide position 721. The histidine at codon 241 is replaced by asparagine, an amino acid with similar properties. This amino acid position is conserved. In addition, this alteration is predicted to be tolerated by in silico analysis. Since supporting evidence is limited at this time, the clinical significance of this alteration remains unclear.